The following is an entry in ClinVar:

NM_000168.6(GLI3):c.4220_4229del (p.Gly1407fs)

Gene: GLI3 (GLI family zinc finger 3; minus strand). Cytogenetic location: 7p14.1.
Variant type: Deletion.
Coding change: c.4220_4229del on transcript NM_000168.6 (MANE Select); coding-DNA positions 4220 to 4229, 10 bases deleted (GACAGCTCAG; older notation c.4220_4229delGACAGCTCAG).
Protein change: p.Gly1407fs; shifts the reading frame from glycine 1407.
Molecular consequence: frameshift variant.
Genome position (GRCh38, 1-based): chr7:41,964,844-41,964,853, CTGAGCTGTC deleted on the plus strand (GACAGCTCAG on the coding strand, the reverse complement: GLI3 is on the minus strand); deleting any 10 consecutive bases within chr7:41,964,844-41,964,857 gives the same sequence; the c. name uses the placement nearest the transcript's 3' end. VCF-style (leftmost placement, unchanged base first): chr7-41964843-ACTGAGCTGTC-A. GRCh37 (hg19) VCF-style: chr7-42004441-ACTGAGCTGTC-A.
Other names: short protein forms G1407fs.
Identifiers: ClinVar variation 4886581 (VCV004886581.2).

ClinVar aggregate classification (germline): Likely pathogenic (1 of 4 stars; one submission).

Submission:

Dasa
Classification: Likely pathogenic. Last evaluated: 2025-06-24. Review status: criteria provided, single submitter. Criteria: DASA Assertion Criteria. Collection method: clinical testing. Allele origin: germline.
Comment: NM_000168.6(GLI3):c.4220_4229del (p.Gly1407Valfs*9) is a frameshift variant in GLI3 predicted to alter the reading frame and introduce a premature termination codon and is predicted to result in an absent or altered protein product. Loss of function is an established disease mechanism for GLI3 (PMID: 15739154; PMID: 21326280; PMID: 29236091). Also, this variant is absent from population databases. Based on the currently available evidence, this variant is classified as likely pathogenic.

Literature cited by the submitters: PubMed 15739154; PubMed 21326280; PubMed 29236091.